The following is an entry in ClinVar:

ClinVar aggregate classification (germline): Uncertain significance. Review status: criteria provided, multiple submitters, no conflicts (2 of 4 stars). 2 submissions from 2 submitters: Uncertain significance (2). Last evaluated 2025-04-20.

Conditions:
Cardiovascular phenotype. Identifiers: MedGen CN230736.
Long QT syndrome (LQTS). Identifiers: MedGen C0023976, MeSH D008133, MONDO:0002442. Disease mechanism: loss of function. Inheritance: Various modes of inheritance.

Allele frequency attached by ClinVar (database versions not stated): ExAC 0.00001; gnomAD exomes 0.00001; TOPMed 0.00002.
gnomAD v4.1: 8 of 1,614,008 alleles (0.0005%); highest among the groups gnomAD compares: Admixed American, 0.0017%; no homozygotes.

Submissions (2):

Ambry Genetics
Classification: Uncertain significance for Cardiovascular phenotype. Last evaluated: 2025-04-20. Review status: criteria provided, single submitter. Criteria: Ambry Variant Classification Scheme 2023. Collection method: clinical testing. Allele origin: germline.
Comment: The p.S1872L variant (also known as c.5615C>T), located in coding exon 38 of the ANK2 gene, results from a C to T substitution at nucleotide position 5615. The serine at codon 1872 is replaced by leucine, an amino acid with dissimilar properties. This amino acid position is conserved. In addition, this alteration is predicted to be tolerated by in silico analysis. Since supporting evidence is limited at this time, the clinical significance of this alteration remains unclear.

Labcorp Genetics (formerly Invitae), Labcorp
Classification: Uncertain significance for Long QT syndrome. Last evaluated: 2025-04-20. Review status: criteria provided, single submitter. Criteria: Invitae Variant Classification Sherloc (09022015). Collection method: clinical testing. Allele origin: germline.
Comment: This sequence change replaces serine, which is neutral and polar, with leucine, which is neutral and non-polar, at codon 1872 of the ANK2 protein (p.Ser1872Leu). This variant is present in population databases (rs775953030, gnomAD 0.007%). This variant has not been reported in the literature in individuals affected with ANK2-related conditions. ClinVar contains an entry for this variant (Variation ID: 2497623). An algorithm developed to predict the effect of missense changes on protein structure and function (PolyPhen-2) suggests that this variant is likely to be disruptive. In summary, the available evidence is currently insufficient to determine the role of this variant in disease. Therefore, it has been classified as a Variant of Uncertain Significance.

NM_001148.6(ANK2):c.5615C>T (p.Ser1872Leu)

Genes: ANK2 (ankyrin 2; plus strand), LOC126807136 (MED14-independent group 3 enhancer GRCh37_chr4:114274931-114276130; plus strand). Cytogenetic location: 4q26.
Variant type: single nucleotide variant.
Coding change: c.5615C>T on transcript NM_001148.6 (MANE Select); coding-DNA position 5615, C replaced by T.
Protein change: p.Ser1872Leu; replaces serine 1872 with leucine.
Molecular consequence: missense variant. On other transcripts: intron variant (68).
Genome position (GRCh38, 1-based): chr4:113,354,233, C>T. VCF-style: chr4-113354233-C-T. GRCh37 (hg19) VCF-style: chr4-114275389-C-T.
Other names: c.5381C>T, p.Ser1794Leu (NM_001386142.1); c.2015C>T, p.Ser672Leu (NM_001386166.1); c.5756C>T, p.Ser1919Leu (NM_001386174.1); c.5732C>T, p.Ser1911Leu (NM_001386175.1); c.4411+3984C>T (NM_001386186.2, NM_001386148.2); c.4213+3984C>T (NM_001354269.3); c.4291+3984C>T (NM_001386187.2); c.4252+3984C>T (NM_001386147.1); and 35 more; short protein forms S1872L, S672L, S1911L, S1919L, S1794L.
Identifiers: ClinVar variation 2497623 (VCV002497623.5), dbSNP rs775953030, ClinGen allele CA3051264.